The following is an entry in ClinVar:

ClinVar aggregate classification (germline): Uncertain significance (1 of 4 stars; one submission).

Conditions:
Hereditary cancer-predisposing syndrome. Also called: Neoplastic Syndromes, Hereditary; Tumor predisposition; Hereditary neoplastic syndrome; Hereditary Cancer Syndrome. Identifiers: Orphanet 140162, MedGen C0027672, MeSH D009386, MONDO:0015356.

Submission:

Ambry Genetics
Classification: Uncertain significance for Hereditary cancer-predisposing syndrome. Last evaluated: 2024-04-05. Review status: criteria provided, single submitter. Criteria: Ambry Variant Classification Scheme 2023. Collection method: clinical testing. Allele origin: germline.
Comment: The p.V105A variant (also known as c.314T>C), located in coding exon 1 of the AXIN2 gene, results from a T to C substitution at nucleotide position 314. The valine at codon 105 is replaced by alanine, an amino acid with similar properties. This amino acid position is conserved. In addition, this alteration is predicted to be tolerated by in silico analysis. Based on the available evidence, the clinical significance of this variant remains unclear.

NM_004655.4(AXIN2):c.314T>C (p.Val105Ala)

Gene: AXIN2 (axin 2; minus strand). Cytogenetic location: 17q24.1.
Variant type: single nucleotide variant.
Coding change: c.314T>C on transcript NM_004655.4 (MANE Select); coding-DNA position 314, T replaced by C.
Protein change: p.Val105Ala; replaces valine 105 with alanine.
Molecular consequence: missense variant.
Genome position (GRCh38, 1-based): chr17:65,558,307, A>G on the plus strand (T>C on the coding strand, the complement: AXIN2 is on the minus strand). VCF-style: chr17-65558307-A-G. GRCh37 (hg19) VCF-style: chr17-63554425-A-G.
Other names: c.314T>C, p.Val105Ala (NM_001363813.1); short protein forms V105A.
Identifiers: ClinVar variation 3335533 (VCV003335533.1).